The following is an entry in ClinVar:

NM_000179.3(MSH6):c.72G>C (p.Ser24=)

Gene: MSH6 (mutS homolog 6; plus strand). Cytogenetic location: 2p16.3.
Variant type: single nucleotide variant.
Coding change: c.72G>C on transcript NM_000179.3 (MANE Select); coding-DNA position 72, G replaced by C.
Protein change: p.Ser24=; no amino-acid change (serine 24 retained).
Molecular consequence: synonymous variant. On other transcripts: 5 prime UTR variant (7), missense variant (1), non-coding transcript variant (5), intron variant (5).
Genome position (GRCh38, 1-based): chr2:47,783,305, G>C. VCF-style: chr2-47783305-G-C. GRCh37 (hg19) VCF-style: chr2-48010444-G-C.
Other names: c.72G>C, p.Ser24= (NM_001281492.2, NM_001406795.1, NM_001406796.1 and 9 more transcripts); c.-665G>C (NM_001281493.2, NM_001406811.1); c.-257G>C (NM_001406799.1); c.17G>C, p.Arg6Pro (NM_001406804.1); c.-857G>C (NM_001406807.1); c.-512G>C (NM_001406812.1); c.-923G>C (NM_001406814.1); c.-468G>C (NM_001406816.1); and 3 more; short protein forms R6P.
Identifiers: ClinVar variation 3903499 (VCV003903499.1).

ClinVar aggregate classification (germline): Benign (1 of 4 stars; one submission).

Conditions:
Lynch syndrome 5 (LYNCH5). Also called: Colorectal cancer, hereditary nonpolyposis, type 5; Hereditary non-polyposis colorectal cancer, type 5. Identifiers: Orphanet 144, MedGen C1833477, MONDO:0013710, OMIM 614350. Disease mechanism: loss of function.

Submission:

Myriad Genetics, Inc.
Classification: Benign for Lynch syndrome 5. Last evaluated: 2024-12-17. Review status: criteria provided, single submitter. Criteria: Myriad Autosomal Dominant, Autosomal Recessive and X-Linked Classification Criteria (2023). Collection method: clinical testing. Allele origin: unknown.
Comment: This variant is considered benign. This variant is a silent/synonymous amino acid change and it is not expected to impact splicing.